The following is an entry in ClinVar:

ClinVar aggregate classification (germline): Uncertain significance. Review status: criteria provided, multiple submitters, no conflicts (2 of 4 stars). 2 submissions from 2 submitters: Uncertain significance (2). Last evaluated 2024-09-12.

Conditions:
Hereditary cancer-predisposing syndrome. Also called: Neoplastic Syndromes, Hereditary; Tumor predisposition; Hereditary Cancer Syndrome; Hereditary neoplastic syndrome. Identifiers: Orphanet 140162, MedGen C0027672, MeSH D009386, MONDO:0015356.
Cardiovascular phenotype. Identifiers: MedGen CN230736.

Submissions (2):

Labcorp Genetics (formerly Invitae), Labcorp
Classification: Uncertain significance. Last evaluated: 2024-09-12. Review status: criteria provided, single submitter. Criteria: Invitae Variant Classification Sherloc (09022015). Collection method: clinical testing. Allele origin: germline.
Comment: This sequence change replaces aspartic acid, which is acidic and polar, with glycine, which is neutral and non-polar, at codon 642 of the LZTR1 protein (p.Asp642Gly). This variant is not present in population databases (gnomAD no frequency). This variant has not been reported in the literature in individuals affected with LZTR1-related conditions. ClinVar contains an entry for this variant (Variation ID: 1782752). Invitae Evidence Modeling of protein sequence and biophysical properties (such as structural, functional, and spatial information, amino acid conservation, physicochemical variation, residue mobility, and thermodynamic stability) indicates that this missense variant is not expected to disrupt LZTR1 protein function with a negative predictive value of 80%. In summary, the available evidence is currently insufficient to determine the role of this variant in disease. Therefore, it has been classified as a Variant of Uncertain Significance.

Ambry Genetics
Classification: Uncertain significance for Cardiovascular phenotype; Hereditary cancer-predisposing syndrome. Last evaluated: 2022-10-27. Review status: criteria provided, single submitter. Criteria: Ambry Variant Classification Scheme 2023. Collection method: clinical testing. Allele origin: germline.
Comment: The p.D642G variant (also known as c.1925A>G), located in coding exon 16 of the LZTR1 gene, results from an A to G substitution at nucleotide position 1925. The aspartic acid at codon 642 is replaced by glycine, an amino acid with similar properties. This amino acid position is conserved. In addition, this alteration is predicted to be tolerated by in silico analysis. Since supporting evidence is limited at this time, the clinical significance of this alteration remains unclear.

NM_006767.4(LZTR1):c.1925A>G (p.Asp642Gly)

Gene: LZTR1 (leucine zipper like post translational regulator 1; plus strand). Cytogenetic location: 22q11.21.
Variant type: single nucleotide variant.
Coding change: c.1925A>G on transcript NM_006767.4 (MANE Select); coding-DNA position 1925, A replaced by G.
Protein change: p.Asp642Gly; replaces aspartic acid 642 with glycine.
Molecular consequence: missense variant.
Genome position (GRCh38, 1-based): chr22:20,995,009, A>G. VCF-style: chr22-20995009-A-G. GRCh37 (hg19) VCF-style: chr22-21349298-A-G.
Other names: short protein forms D642G.
Identifiers: ClinVar variation 1782752 (VCV001782752.4), dbSNP rs761930964, ClinGen allele CA410778738.